The following is an entry in ClinVar:

ClinVar aggregate classification (germline): Uncertain significance (1 of 4 stars; one submission).

gnomAD v4.1: 1 of 1,613,948 alleles (0.000062%); highest among the groups gnomAD compares: Admixed American, 0.0017%; no homozygotes.

Submission:

Labcorp Genetics (formerly Invitae), Labcorp
Classification: Uncertain significance. Last evaluated: 2024-07-25. Review status: criteria provided, single submitter. Criteria: Invitae Variant Classification Sherloc (09022015). Collection method: clinical testing. Allele origin: germline.
Comment: This sequence change replaces cysteine, which is neutral and slightly polar, with tyrosine, which is neutral and polar, at codon 338 of the ERBB2 protein (p.Cys338Tyr). This variant is not present in population databases (gnomAD no frequency). This variant has not been reported in the literature in individuals affected with ERBB2-related conditions. Advanced modeling of protein sequence and biophysical properties (such as structural, functional, and spatial information, amino acid conservation, physicochemical variation, residue mobility, and thermodynamic stability) performed at Invitae indicates that this missense variant is expected to disrupt ERBB2 protein function with a positive predictive value of 80%. In summary, the available evidence is currently insufficient to determine the role of this variant in disease. Therefore, it has been classified as a Variant of Uncertain Significance.

NM_004448.4(ERBB2):c.1013G>A (p.Cys338Tyr)

Gene: ERBB2 (erb-b2 receptor tyrosine kinase 2; plus strand). Cytogenetic location: 17q12.
Variant type: single nucleotide variant.
Coding change: c.1013G>A on transcript NM_004448.4 (MANE Select); coding-DNA position 1013, G replaced by A.
Protein change: p.Cys338Tyr; replaces cysteine 338 with tyrosine.
Molecular consequence: missense variant. On other transcripts: non-coding transcript variant (1).
Genome position (GRCh38, 1-based): chr17:39,712,039, G>A. VCF-style: chr17-39712039-G-A. GRCh37 (hg19) VCF-style: chr17-37868292-G-A.
Other names: c.923G>A, p.Cys308Tyr (NM_001005862.3, NM_001289938.2, NM_001382782.1 and 1 more transcripts); c.968G>A, p.Cys323Tyr (NM_001289936.2); c.1013G>A, p.Cys338Tyr (NM_001289937.2, NM_001382794.1, NM_001382795.1 and 16 more transcripts); c.833G>A, p.Cys278Tyr (NM_001382799.1); c.755G>A, p.Cys252Tyr (NM_001382802.1); c.185G>A, p.Cys62Tyr (NM_001382804.1); c.1088G>A, p.Cys363Tyr (NM_001382787.1); c.1004G>A, p.Cys335Tyr (NM_001382791.1); short protein forms C252Y, C338Y, C308Y, C323Y, C278Y, C62Y, C335Y, C363Y.
Identifiers: ClinVar variation 3709433 (VCV003709433.2).